The following is an entry in ClinVar:

NM_213720.3(CHCHD10):c.322C>T (p.Gln108Ter)

Gene: CHCHD10 (coiled-coil-helix-coiled-coil-helix domain containing 10; minus strand). Cytogenetic location: 22q11.23.
Variant type: single nucleotide variant.
Coding change: c.322C>T on transcript NM_213720.3 (MANE Select); coding-DNA position 322, C replaced by T.
Protein change: p.Gln108Ter; replaces glutamine 108 with a stop codon.
Molecular consequence: nonsense. On other transcripts: non-coding transcript variant (2).
Genome position (GRCh38, 1-based): chr22:23,766,215, G>A on the plus strand (C>T on the coding strand, the complement: CHCHD10 is on the minus strand). VCF-style: chr22-23766215-G-A. GRCh37 (hg19) VCF-style: chr22-24108402-G-A.
Other names: c.343C>T, p.Gln115Ter (NM_001301339.2); short protein forms Q115*, Q108*.
Identifiers: ClinVar variation 2923667 (VCV002923667.3), dbSNP rs1181028283, ClinGen allele CA410914809.

ClinVar aggregate classification (germline): Uncertain significance (1 of 4 stars; one submission).

Conditions:
Lower motor neuron syndrome with late-adult onset (SMAJ). Also called: Spinal muscular atrophy, Jokela type; Late-Onset Spinal Motor Neuronopathy (SMAJ). Identifiers: Orphanet 276435, MedGen C3554398, MONDO:0014025, OMIM 615048.
Autosomal dominant mitochondrial myopathy with exercise intolerance (IMMD). Also called: Myopathy, isolated mitochondrial, autosomal dominant. Identifiers: Orphanet 457050, MedGen C4015513, MONDO:0014532, OMIM 616209.
Frontotemporal dementia and/or amyotrophic lateral sclerosis 2. Also called: FTDALS2. Identifiers: Orphanet 275872, MedGen C4014648, MONDO:0014395, OMIM 615911.

Allele frequency attached by ClinVar (database versions not stated): gnomAD exomes below 0.00001; TOPMed below 0.00001.
gnomAD v4.1: 1 of 1,606,028 alleles (0.000062%); highest among the groups gnomAD compares: Non-Finnish European, 0.000085%; no homozygotes.

Submission:

Labcorp Genetics (formerly Invitae), Labcorp
Classification: Uncertain significance for Lower motor neuron syndrome with late-adult onset; Frontotemporal dementia and/or amyotrophic lateral sclerosis 2; Autosomal dominant mitochondrial myopathy with exercise intolerance. Last evaluated: 2023-03-28. Review status: criteria provided, single submitter. Criteria: Invitae Variant Classification Sherloc (09022015). Collection method: clinical testing. Allele origin: germline.
Comment: This sequence change creates a premature translational stop signal (p.Gln108*) in the CHCHD10 gene. It is expected to result in an absent or disrupted protein product. However, the current clinical and genetic evidence is not sufficient to establish whether loss-of-function variants in CHCHD10 cause disease. The frequency data for this variant in the population databases is considered unreliable, as metrics indicate poor data quality at this position in the gnomAD database. This premature translational stop signal has been observed in individual(s) with clinical features of CHCHD10-related conditions (PMID: 28069311). In summary, the available evidence is currently insufficient to determine the role of this variant in disease. Therefore, it has been classified as a Variant of Uncertain Significance.

Literature cited by the submitters: PubMed 28069311.